The following is an entry in ClinVar:

ClinVar aggregate classification (germline): Likely pathogenic (1 of 4 stars; one submission).

Conditions:
Gaucher disease. Also called: Acute cerebral Gaucher disease; Cerebroside lipidosis syndrome; Gaucher splenomegaly; Sphingolipidosis 1; Glucocerebrosidosis; Glucosylceramidase deficiency. Identifiers: Orphanet 355, MedGen C0017205, MONDO:0018150.

Submission:

Natera, Inc.
Classification: Likely pathogenic for Gaucher disease. Last evaluated: 2026-01-27. Review status: criteria provided, single submitter. Criteria: Natera Variant Classification Schema (03/2026). Collection method: clinical testing. Allele origin: germline.
Comment: The c.1447_1466delCTGGACGCAGTGGCACTGATinsTG variant in GBA1 is a deletion-insertion (delins) variant predicted to replace one or more nucleotides with a different sequence. This variant is rare in the general population with a frequency below the threshold expected for the associated phenotype(s). This variant has been observed in one or more individuals affected with the associated recessive disease, as either homozygous or compound heterozygous with a second variant (PMID: 8698334, 7981693). This variant results in a change to the protein length while preserving reading frame, which may disrupt normal protein structure or function. Given the available evidence, this variant is classified as Likely Pathogenic.

Literature cited by the submitters: PubMed 8698334; PubMed 7981693.

NM_000157.4(GBA1):c.1447_1466delinsTG (p.Leu483_Met489delinsTrp)

Genes: GBA1 (glucosylceramidase beta 1; minus strand), LOC106627981 (GBA recombination region; plus strand). Cytogenetic location: 1q22.
Variant type: Indel.
Coding change: c.1447_1466delinsTG on transcript NM_000157.4 (MANE Select); coding-DNA positions 1447 to 1466, CTGGACGCAGTGGCACTGAT replaced by TG.
Protein change: p.Leu483_Met489delinsTrp.
Molecular consequence: inframe indel.
Genome position (GRCh38, 1-based): chr1:155,235,234-155,235,253, ATCAGTGCCACTGCGTCCAG replaced by CA on the plus strand (CTGGACGCAGTGGCACTGAT replaced by TG on the coding strand, the reverse complement: GBA1 is on the minus strand). VCF-style: chr1-155235234-ATCAGTGCCACTGCGTCCAG-CA. GRCh37 (hg19) VCF-style: chr1-155205025-ATCAGTGCCACTGCGTCCAG-CA.
Other names: c.1447_1466delinsTG, p.Leu483_Met489delinsTrp (NM_001005741.3, NM_001005742.3); c.1186_1205delinsTG, p.Leu396_Met402delinsTrp (NM_001171811.2); c.1300_1319delinsTG, p.Leu434_Met440delinsTrp (NM_001171812.2).
Identifiers: ClinVar variation 4817725 (VCV004817725.1).